The following is an entry in ClinVar:

NM_004006.3(DMD):c.5339T>C (p.Leu1780Ser)

Gene: DMD (dystrophin; minus strand). Cytogenetic location: Xp21.1.
Variant type: single nucleotide variant.
Coding change: c.5339T>C on transcript NM_004006.3 (MANE Select); coding-DNA position 5339, T replaced by C.
Protein change: p.Leu1780Ser; replaces leucine 1780 with serine.
Molecular consequence: missense variant.
Genome position (GRCh38, 1-based): chrX:32,348,515, A>G on the plus strand (T>C on the coding strand, the complement: DMD is on the minus strand). VCF-style: chrX-32348515-A-G. GRCh37 (hg19) VCF-style: chrX-32366632-A-G.
Other names: c.5315T>C, p.Leu1772Ser (NM_000109.4); c.5327T>C, p.Leu1776Ser (NM_004009.3); c.4970T>C, p.Leu1657Ser (NM_004010.3); c.1316T>C, p.Leu439Ser (NM_004011.4); c.1307T>C, p.Leu436Ser (NM_004012.4); short protein forms L1772S, L436S, L1780S, L439S, L1657S, L1776S.
Identifiers: ClinVar variation 1034584 (VCV001034584.9), dbSNP rs966393024, ClinGen allele CA327985249.

ClinVar aggregate classification (germline): Uncertain significance (1 of 4 stars; one submission).

Conditions:
Duchenne muscular dystrophy (DMD). Also called: MUSCULAR DYSTROPHY, PSEUDOHYPERTROPHIC PROGRESSIVE, DUCHENNE TYPE; Duchenne Muscular Dystrophy (DMD). Identifiers: Orphanet 98896, MedGen C0013264, MONDO:0010679, OMIM 310200.

Allele frequency attached by ClinVar (database versions not stated): gnomAD exomes below 0.00001; gnomAD 0.00001; TOPMed 0.00001.
gnomAD v4.1: 3 of 1,202,860 alleles (0.00025%); highest among the groups gnomAD compares: Non-Finnish European, 0.00034%; no homozygotes.

Submission:

Labcorp Genetics (formerly Invitae), Labcorp
Classification: Uncertain significance for Duchenne muscular dystrophy. Last evaluated: 2024-11-21. Review status: criteria provided, single submitter. Criteria: Invitae Variant Classification Sherloc (09022015). Collection method: clinical testing. Allele origin: germline.
Comment: This sequence change replaces leucine, which is neutral and non-polar, with serine, which is neutral and polar, at codon 1780 of the DMD protein (p.Leu1780Ser). This variant is not present in population databases (gnomAD no frequency). This variant has not been reported in the literature in individuals affected with DMD-related conditions. ClinVar contains an entry for this variant (Variation ID: 1034584). Invitae Evidence Modeling of protein sequence and biophysical properties (such as structural, functional, and spatial information, amino acid conservation, physicochemical variation, residue mobility, and thermodynamic stability) indicates that this missense variant is not expected to disrupt DMD protein function with a negative predictive value of 95%. In summary, the available evidence is currently insufficient to determine the role of this variant in disease. Therefore, it has been classified as a Variant of Uncertain Significance.